The following is an entry in ClinVar:

ClinVar aggregate classification (germline): Likely pathogenic (0 of 4 stars; one submission).

Conditions:
Dilated cardiomyopathy 1G (CMD1G). Identifiers: Orphanet 154, MedGen C1858763, MONDO:0011400, OMIM 604145.

Submission:

deCODE genetics, Amgen
Classification: Likely pathogenic for Dilated cardiomyopathy 1G. Last evaluated: 2023-07-21. Review status: no assertion criteria provided. Collection method: research. Allele origin: germline. Affected: yes. Observed: 1 variant allele.
Comment: The variant NM_001267550.2:c.95738del (chr2:178544490) in TTN was detected in 1 heterozygote out of 58K WGS Icelanders (MAF= 0,001%). This variant has not been reported in ClinVar previously. Based on ACMG criteria (PVS1, PM2) this variant classifies as likely pathogenic.

NM_001267550.2(TTN):c.95738del (p.Pro31913fs)

Genes: TTN (titin; minus strand), TTN-AS1 (TTN antisense RNA 1; plus strand). Cytogenetic location: 2q31.2.
Variant type: Deletion.
Coding change: c.95738del on transcript NM_001267550.2 (MANE Select); coding-DNA position 95738, one base deleted (C; older notation c.95738delC).
Protein change: p.Pro31913fs; shifts the reading frame from proline 31913.
Molecular consequence: frameshift variant.
Genome position (GRCh38, 1-based): chr2:178,544,491, G deleted on the plus strand (C on the coding strand, the reverse complement: TTN is on the minus strand); the first of 2 consecutive G bases (chr2:178,544,491-178,544,492); deleting either gives the same sequence. VCF-style (leftmost placement, unchanged base first): chr2-178544490-AG-A. GRCh37 (hg19) VCF-style: chr2-179409217-AG-A.
Other names: c.90815del, p.Pro30272fs (NM_001256850.1); c.68543del, p.Pro22848fs (NM_003319.4); c.88034del, p.Pro29345fs (NM_133378.4); c.68918del, p.Pro22973fs (NM_133432.3); c.69119del, p.Pro23040fs (NM_133437.4); short protein forms P22848fs, P22973fs, P23040fs, P29345fs, P30272fs, P31913fs.
Identifiers: ClinVar variation 2574066 (VCV002574066.1), dbSNP rs2468970298, ClinGen allele CA2697551400.